The following is an entry in ClinVar:

NM_001283009.2(RTEL1):c.2671_2686del (p.Ala891fs)

Genes: RTEL1 (regulator of telomere elongation helicase 1; plus strand), RTEL1-TNFRSF6B (RTEL1-TNFRSF6B readthrough (NMD candidate); plus strand). Cytogenetic location: 20q13.33.
Variant type: Deletion.
Coding change: c.2671_2686del on transcript NM_001283009.2 (MANE Select); coding-DNA positions 2671 to 2686, 16 bases deleted (GCACAGACGGACAGGG).
Protein change: p.Ala891fs; shifts the reading frame from alanine 891.
Molecular consequence: frameshift variant. On other transcripts: non-coding transcript variant (1).
Genome position (GRCh38, 1-based): chr20:63,692,823-63,692,838, GCACAGACGGACAGGG deleted. VCF-style (leftmost placement, unchanged base first): chr20-63692822-TGCACAGACGGACAGGG-T. GRCh37 (hg19) VCF-style: chr20-62324175-TGCACAGACGGACAGGG-T.
Other names: c.2002_2017del, p.Ala668fs (NM_001283010.1); c.2671_2686del, p.Ala891fs (NM_016434.4); c.2743_2758del, p.Ala915fs (NM_032957.5); short protein forms A668fs, A915fs, A891fs.
Identifiers: ClinVar variation 1458121 (VCV001458121.6), dbSNP rs2145445706, ClinGen allele CA2573157245.
Genomic context (GRCh38, chr20:63,692,822, plus strand): 5'-GATGAGGCTGGCCCTGATGGAGCCTCGGGCCTGTGTCCTGCAGGAGGAGCCCGTGGCTGG[TGCACAGACGGACAGGG>T]CCAAGCTCTTCATGGTGGCCGTGAAGCAGGAGTTGAGCCAAGCCAACTTTGCCACCTTCA-3'

ClinVar aggregate classification (germline): Pathogenic (1 of 4 stars; one submission).

Conditions:
Dyskeratosis congenita, autosomal recessive 5 (DKCB5). Identifiers: MedGen C3554656, MONDO:0014076, OMIM 615190.
Pulmonary fibrosis and/or bone marrow failure, Telomere-related, 3. Also called: PULMONARY FIBROSIS AND/OR BONE MARROW FAILURE SYNDROME, TELOMERE-RELATED, 3. Identifiers: Orphanet 2032, MedGen C4225346, MONDO:0014613, OMIM 616373.

Submission:

Labcorp Genetics (formerly Invitae), Labcorp
Classification: Pathogenic for Dyskeratosis congenita, autosomal recessive 5; Pulmonary fibrosis and/or bone marrow failure, Telomere-related, 3. Last evaluated: 2020-11-14. Review status: criteria provided, single submitter. Criteria: Invitae Variant Classification Sherloc (09022015). Collection method: clinical testing. Allele origin: germline.
Comment: For these reasons, this variant has been classified as Pathogenic. This variant has not been reported in the literature in individuals with RTEL1-related conditions. This variant is not present in population databases (ExAC no frequency). This sequence change creates a premature translational stop signal (p.Ala891Profs*8) in the RTEL1 gene. It is expected to result in an absent or disrupted protein product. Loss-of-function variants in RTEL1 are known to be pathogenic (PMID: 23453664, 23959892, 25607374).

Literature cited by the submitters: PubMed 23453664; PubMed 23959892; PubMed 25607374.